The following is an entry in ClinVar:

NM_000204.5(CFI):c.90G>C (p.Glu30Asp)

Gene: CFI (complement factor I; minus strand). Cytogenetic location: 4q25.
Variant type: single nucleotide variant.
Coding change: c.90G>C on transcript NM_000204.5 (MANE Select); coding-DNA position 90, G replaced by C.
Protein change: p.Glu30Asp; replaces glutamic acid 30 with aspartic acid.
Molecular consequence: missense variant. On other transcripts: non-coding transcript variant (3), intron variant (1).
Genome position (GRCh38, 1-based): chr4:109,766,792, C>G on the plus strand (G>C on the coding strand, the complement: CFI is on the minus strand). VCF-style: chr4-109766792-C-G. GRCh37 (hg19) VCF-style: chr4-110687948-C-G.
Other names: c.90G>C, p.Glu30Asp (NM_001318057.2, NM_001331035.2, NM_001375278.1 and 5 more transcripts); c.-127-5100G>C (NM_001375284.1); short protein forms E30D.
Identifiers: ClinVar variation 3612757 (VCV003612757.2).

ClinVar aggregate classification (germline): Uncertain significance (1 of 4 stars; one submission).

Submission:

Labcorp Genetics (formerly Invitae), Labcorp
Classification: Uncertain significance. Last evaluated: 2024-04-18. Review status: criteria provided, single submitter. Criteria: Invitae Variant Classification Sherloc (09022015). Collection method: clinical testing. Allele origin: germline.
Comment: This sequence change replaces glutamic acid, which is acidic and polar, with aspartic acid, which is acidic and polar, at codon 30 of the CFI protein (p.Glu30Asp). This variant is not present in population databases (gnomAD no frequency). This variant has not been reported in the literature in individuals affected with CFI-related conditions. Advanced modeling of protein sequence and biophysical properties (such as structural, functional, and spatial information, amino acid conservation, physicochemical variation, residue mobility, and thermodynamic stability) performed at Invitae indicates that this missense variant is not expected to disrupt CFI protein function with a negative predictive value of 95%. In summary, the available evidence is currently insufficient to determine the role of this variant in disease. Therefore, it has been classified as a Variant of Uncertain Significance.